The following is an entry in ClinVar:

NC_000002.12:g.(?_25300139)_(25300243_?)del

Gene: DNMT3A (DNA methyltransferase 3 alpha; minus strand). Cytogenetic location: 2p23.3.
Variant type: Deletion.
Identifiers: ClinVar variation 643714 (VCV000643714.3).

ClinVar aggregate classification (germline): Uncertain significance (1 of 4 stars; one submission).

Conditions:
Tatton-Brown-Rahman overgrowth syndrome. Also called: Tall stature-intellectual disability-facial dysmorphism syndrome; Tatton-Brown-Rahman syndrome. Identifiers: Orphanet 404443, MedGen C4014545, MONDO:0014382, OMIM 615879.

Submission:

Labcorp Genetics (formerly Invitae), Labcorp
Classification: Uncertain significance for Tatton-Brown-Rahman overgrowth syndrome. Last evaluated: 2018-08-29. Review status: criteria provided, single submitter. Criteria: Invitae Variant Classification Sherloc (09022015). Collection method: clinical testing. Allele origin: germline.
Comment: Experimental studies and prediction algorithms are not available for this variant, and the functional significance of the affected amino acid(s) is currently unknown. In summary, the available evidence is currently insufficient to determine the role of this variant in disease. Therefore, it has been classified as a Variant of Uncertain Significance. This variant has not been reported in the literature in individuals with DNMT3A-related disease. This variant is an in-frame deletion of the genomic region encompassing exon 3 of the DNMT3A gene. It preserves the integrity of the reading frame.